The following is an entry in ClinVar:

ClinVar aggregate classification (germline): Uncertain significance. Review status: criteria provided, multiple submitters, no conflicts (2 of 4 stars). 2 submissions from 2 submitters: Uncertain significance (2). Last evaluated 2025-08-19.

Conditions:
Inborn genetic diseases. Identifiers: MedGen C0950123, MeSH D030342.

Allele frequency attached by ClinVar (database versions not stated): TOPMed 0.00002; gnomAD 0.00003; gnomAD exomes 0.00003; ExAC 0.00002.

Submissions (2):

Ambry Genetics
Classification: Uncertain significance for Inborn genetic diseases. Last evaluated: 2025-08-19. Review status: criteria provided, single submitter. Criteria: Ambry Variant Classification Scheme 2023. Collection method: clinical testing. Allele origin: germline.

GeneDx
Classification: Uncertain significance. Last evaluated: 2024-09-26. Review status: criteria provided, single submitter. Criteria: GeneDx Variant Classification Process June 2021. Collection method: clinical testing. Allele origin: germline. Affected: yes.
Comment: Not observed at significant frequency in large population cohorts (gnomAD); In silico analysis supports that this missense variant has a deleterious effect on protein structure/function; Has not been previously published as pathogenic or benign to our knowledge

NM_001079866.2(BCS1L):c.130C>T (p.Arg44Trp)

Gene: BCS1L (BCS1 ubiquinol-cytochrome c reductase complex chaperone; plus strand). Cytogenetic location: 2q35.
Variant type: single nucleotide variant.
Coding change: c.130C>T on transcript NM_001079866.2 (MANE Select); coding-DNA position 130, C replaced by T.
Protein change: p.Arg44Trp; replaces arginine 44 with tryptophan.
Molecular consequence: missense variant. On other transcripts: 5 prime UTR variant (5), non-coding transcript variant (1), intron variant (3).
Genome position (GRCh38, 1-based): chr2:218,661,117, C>T. VCF-style: chr2-218661117-C-T. GRCh37 (hg19) VCF-style: chr2-219525840-C-T.
Other names: c.130C>T, p.Arg44Trp (NM_001257342.2, NM_001257343.2, NM_001257344.2 and 10 more transcripts); c.-347C>T (NM_001371453.1, NM_001371454.1, NM_001371455.1 and 2 more transcripts); c.-40-289C>T (NM_001371451.1, NM_001318836.2); c.-41-642C>T (NM_001371452.1); short protein forms R44W.
Identifiers: ClinVar variation 1810162 (VCV001810162.3), dbSNP rs767001023, ClinGen allele CA2109607.